The following is an entry in ClinVar:

NM_001308093.3(GATA4):c.1000+103G>C

Gene: GATA4 (GATA binding protein 4). Cytogenetic location: 8p23.1.
Variant type: single nucleotide variant.
Coding change: c.1000+103G>C on transcript NM_001308093.3 (MANE Select); 103 bases into the intron after coding-DNA position 1000, G replaced by C.
Molecular consequence: intron variant.
Genome position (GRCh38, 1-based): chr8:11,755,236, G>C. VCF-style: chr8-11755236-G-C. GRCh37 (hg19) VCF-style: chr8-11612745-G-C.
Other names: c.379+103G>C (NM_001308094.2, NM_001374273.1); c.997+103G>C (NM_002052.5); c.253+103G>C (NM_001374274.1).
Identifiers: ClinVar variation 3046568 (VCV003046568.3), dbSNP rs113049875, ClinGen allele CA172119375.

ClinVar aggregate classification (germline): Likely benign. Review status: criteria provided, single submitter (1 of 4 stars). 2 submissions from 2 submitters: Likely benign (1). 1 of the submissions does not count toward it. Last evaluated 2024-09-13.

Conditions:
GATA4-related disorder. Also called: GATA4-related condition. Identifiers: MedGen CN860321.

Allele frequency attached by ClinVar (database versions not stated): 1000 Genomes Project 0.00120; 1000 Genomes Project 30x 0.00172.
gnomAD v4.1: 211 of 914,874 alleles (0.023%); highest among the groups gnomAD compares: African/African-American, 0.26%; no homozygotes.

Submissions (2):

Blueprint Genetics
Classification: Likely benign. Last evaluated: 2024-09-13. Review status: criteria provided, single submitter. Criteria: ACMG Guidelines, 2015. Collection method: clinical testing. Allele origin: germline.

PreventionGenetics, part of Exact Sciences
Classification: Likely benign for GATA4-related condition. Last evaluated: 2023-03-06. Review status: no assertion criteria provided. Collection method: clinical testing. Allele origin: germline. Not counted in ClinVar's aggregate classification.
Comment: This variant is classified as likely benign based on ACMG/AMP sequence variant interpretation guidelines (Richards et al. 2015 PMID: 25741868, with internal and published modifications).